The following is an entry in ClinVar:

NM_001009944.3(PKD1):c.10021del (p.Leu3341fs)

Gene: PKD1 (polycystin 1, transient receptor potential channel interacting; minus strand). Cytogenetic location: 16p13.3.
Variant type: Deletion.
Coding change: c.10021del on transcript NM_001009944.3 (MANE Select); coding-DNA position 10021, one base deleted (C; older notation c.10021delC).
Protein change: p.Leu3341fs; shifts the reading frame from leucine 3341.
Molecular consequence: frameshift variant.
Genome position (GRCh38, 1-based): chr16:2,099,673, G deleted on the plus strand (C on the coding strand, the reverse complement: PKD1 is on the minus strand); the first of 2 consecutive G bases (chr16:2,099,673-2,099,674); deleting either gives the same sequence. VCF-style (leftmost placement, unchanged base first): chr16-2099672-AG-A. GRCh37 (hg19) VCF-style: chr16-2149673-AG-A.
Other names: p.Leu3341Phefs*56; c.10021del, p.Leu3341fs (NM_000296.4); short protein forms L3341fs.
Identifiers: ClinVar variation 4541990 (VCV004541990.1).

ClinVar aggregate classification (germline): Likely pathogenic (1 of 4 stars; one submission).

Submission:

Mayo Clinic Laboratories, Mayo Clinic
Classification: Likely pathogenic. Last evaluated: 2025-05-20. Review status: criteria provided, single submitter. Criteria: ACMG Guidelines, 2015. Collection method: clinical testing. Allele origin: germline. Observed: 2 variant alleles.
Comment: PM2_supporting, PVS1